The following is an entry in ClinVar:

ClinVar aggregate classification (germline): Uncertain significance (1 of 4 stars; one submission).

Conditions:
Hereditary cancer-predisposing syndrome. Also called: Hereditary neoplastic syndrome; Neoplastic Syndromes, Hereditary; Tumor predisposition; Hereditary Cancer Syndrome. Identifiers: Orphanet 140162, MedGen C0027672, MeSH D009386, MONDO:0015356.

Submission:

Ambry Genetics
Classification: Uncertain significance for Hereditary cancer-predisposing syndrome. Last evaluated: 2021-11-24. Review status: criteria provided, single submitter. Criteria: Ambry Variant Classification Scheme 2023. Collection method: clinical testing. Allele origin: germline.
Comment: The p.V2886A variant (also known as c.8657T>C), located in coding exon 58 of the ATM gene, results from a T to C substitution at nucleotide position 8657. The valine at codon 2886 is replaced by alanine, an amino acid with similar properties. This amino acid position is conserved. In addition, this alteration is predicted to be deleterious by in silico analysis. Since supporting evidence is limited at this time, the clinical significance of this alteration remains unclear.

NM_000051.4(ATM):c.8657T>C (p.Val2886Ala)

Genes: ATM (ATM serine/threonine kinase; plus strand), C11orf65 (chromosome 11 open reading frame 65; minus strand). Cytogenetic location: 11q22.3.
Variant type: single nucleotide variant.
Coding change: c.8657T>C on transcript NM_000051.4 (MANE Select); coding-DNA position 8657, T replaced by C.
Protein change: p.Val2886Ala; replaces valine 2886 with alanine.
Molecular consequence: missense variant. On other transcripts: intron variant (2).
Genome position (GRCh38, 1-based): chr11:108,347,351, T>C. VCF-style: chr11-108347351-T-C. GRCh37 (hg19) VCF-style: chr11-108218078-T-C.
Other names: c.8657T>C, p.Val2886Ala (NM_001351834.2); c.641-38280A>G (NM_001330368.2); c.695-12059A>G (NM_001351110.2); short protein forms V2886A.
Identifiers: ClinVar variation 1764200 (VCV001764200.2), dbSNP rs1591274458, ClinGen allele CA382521183.